The following is an entry in ClinVar:

ClinVar aggregate classification (germline): Uncertain significance (1 of 4 stars; one submission).

Conditions:
Glycogen storage disease, type II (IOPD). Also called: Pompe Disease; CARDIOMEGALIA GLYCOGENICA DIFFUSA; GLYCOGENOSIS, GENERALIZED, CARDIAC FORM; GSD II; POMPE DISEASE, INFANTILE-ONSET; GLYCOGEN STORAGE DISEASE II, INFANTILE-ONSET. Identifiers: Orphanet 365, MedGen C0017921, MONDO:0009290, OMIM 232300.

Submission:

Genomenon, Inc
Classification: Uncertain significance for Glycogen storage disease, type II. Last evaluated: 2026-07-01. Review status: criteria provided, single submitter. Criteria: Genomenon Sequence Variant Interpretation Standards - Updated. Collection method: curation. Allele origin: germline. Affected: yes.
Comment: GAA p.His180Asn (c.538C>A) is a missense variant that changes the amino acid at codon 180 from Histidine to Asparagine. This variant has been observed in at least one proband with a GAA-related disorder in the compound heterozygous and/or homozygous state (PMID:32711049). It is absent or not present at a significant frequency in gnomAD. In conclusion, we classify GAA p.His180Asn (c.538C>A) as a variant of uncertain significance.

Literature cited by the submitters: PubMed 32711049.

NM_000152.5(GAA):c.538C>A (p.His180Asn)

Gene: GAA (alpha glucosidase; plus strand). Cytogenetic location: 17q25.3.
Variant type: single nucleotide variant.
Coding change: c.538C>A on transcript NM_000152.5 (MANE Select); coding-DNA position 538, C replaced by A.
Protein change: p.His180Asn; replaces histidine 180 with asparagine.
Molecular consequence: missense variant.
Genome position (GRCh38, 1-based): chr17:80,105,124, C>A. VCF-style: chr17-80105124-C-A. GRCh37 (hg19) VCF-style: chr17-78078923-C-A.
Other names: c.538C>A, p.His180Asn (NM_001406742.1, NM_001079803.3, NM_001079804.3 and 1 more transcripts); short protein forms H180N.
Identifiers: ClinVar variation 4876541 (VCV004876541.1).